The following is an entry in ClinVar:

ClinVar aggregate classification (germline): Benign. Review status: criteria provided, single submitter (1 of 4 stars). 2 submissions from 1 submitter: Benign (2). Last evaluated 2018-01-13.

Conditions:
ALS2-related disorder. Also called: ALS2-related condition; ALS2-related disorders; ALS2-Related Spectrum Disorders. Identifiers: MedGen CN169291.
Amyotrophic lateral sclerosis type 2, juvenile. Also called: ALS, JUVENILE; Amyotrophic lateral sclerosis type 2. Identifiers: Orphanet 300605, MedGen C1859807, MONDO:0008780, OMIM 205100.

Allele frequency attached by ClinVar (database versions not stated): gnomAD exomes 0.00098; gnomAD 0.01081 and 0.01169; 1000 Genomes Project 0.01098; 1000 Genomes Project 30x 0.01140; TOPMed 0.01221.
gnomAD v4.1: 1,643 of 159,680 alleles (1%); highest among the groups gnomAD compares: African/African-American, 3.7%; 30 homozygotes.

Submissions (2):

Illumina Laboratory Services, Illumina
Classification: Benign for ALS2-Related Disorders. Last evaluated: 2018-01-13. Review status: criteria provided, single submitter. Criteria: ICSL Variant Classification Criteria 13 December 2019. Collection method: clinical testing. Allele origin: germline.
Comment: This variant was observed in the ICSL laboratory as part of a predisposition screen in an ostensibly healthy population. It had not been previously curated by ICSL or reported in the Human Gene Mutation Database (HGMD: prior to June 1st, 2018), and was therefore a candidate for classification through an automated scoring system. Utilizing variant allele frequency, disease prevalence and penetrance estimates, and inheritance mode, an automated score was calculated to assess if this variant is too frequent to cause the disease. Based on the score and internal cut-off values, a variant classified as benign is not then subjected to further curation. The score for this variant resulted in a classification of benign for this disease.

Illumina Laboratory Services, Illumina
Classification: Benign for Amyotrophic lateral sclerosis type 2. Last evaluated: 2018-01-13. Review status: criteria provided, single submitter. Criteria: ICSL Variant Classification Criteria 13 December 2019. Collection method: clinical testing. Allele origin: germline.
Comment: the same text as in the submission from Illumina Laboratory Services, Illumina above.

NM_020919.4(ALS2):c.*447G>A

Gene: ALS2 (alsin Rho guanine nucleotide exchange factor ALS2; minus strand). Cytogenetic location: 2q33.1.
Variant type: single nucleotide variant.
Coding change: c.*447G>A on transcript NM_020919.4 (MANE Select); 447 bases downstream of the stop codon, G replaced by A.
Molecular consequence: 3 prime UTR variant.
Genome position (GRCh38, 1-based): chr2:201,701,404, C>T on the plus strand (G>A on the coding strand, the complement: ALS2 is on the minus strand). VCF-style: chr2-201701404-C-T. GRCh37 (hg19) VCF-style: chr2-202566127-C-T.
Identifiers: ClinVar variation 333578 (VCV000333578.5), dbSNP rs3219173, ClinGen allele CA10612444.
Genomic context (GRCh38, chr2:201,701,404, plus strand): 5'-ATGCACACATGACTGGAAGGGACTCAGGAAGGCAGAGTGTGGCCACTATAGTTTCAAGTA[C>T]GATCTGGTTCTTGCAAACGGATCGGGGTAACTGCAGGTGGATTCAGGCAAACCAGAAATT-3'